The following is an entry in ClinVar:

NM_004168.4(SDHA):c.662C>G (p.Ala221Gly)

Gene: SDHA (succinate dehydrogenase complex flavoprotein subunit A; plus strand). Cytogenetic location: 5p15.33.
Variant type: single nucleotide variant.
Coding change: c.662C>G on transcript NM_004168.4 (MANE Select); coding-DNA position 662, C replaced by G.
Protein change: p.Ala221Gly; replaces alanine 221 with glycine.
Molecular consequence: missense variant.
Genome position (GRCh38, 1-based): chr5:228,225, C>G. VCF-style: chr5-228225-C-G. GRCh37 (hg19) VCF-style: chr5-228340-C-G.
Other names: c.518C>G, p.Ala173Gly (NM_001294332.2); c.662C>G, p.Ala221Gly (NM_001330758.2); c.662C>G (NM_004168.2); short protein forms A221G, A173G.
Identifiers: ClinVar variation 1037488 (VCV001037488.10), dbSNP rs1735163984, ClinGen allele CA359010884.

ClinVar aggregate classification (germline): Uncertain significance. Review status: criteria provided, multiple submitters, no conflicts (2 of 4 stars). 2 submissions from 2 submitters: Uncertain significance (2). Last evaluated 2026-05-06.

Conditions:
Hereditary cancer-predisposing syndrome. Also called: Tumor predisposition; Hereditary neoplastic syndrome; Neoplastic Syndromes, Hereditary; Hereditary Cancer Syndrome. Identifiers: Orphanet 140162, MedGen C0027672, MeSH D009386, MONDO:0015356.
Mitochondrial complex II deficiency, nuclear type 1. Also called: SUCCINATE CoQ REDUCTASE DEFICIENCY. Identifiers: Orphanet 3208, MedGen C5700310, MONDO:0100294, OMIM 252011.
Pheochromocytoma/paraganglioma syndrome 5. Also called: Paragangliomas 5; SDHA-Related Hereditary Paraganglioma-Pheochromocytoma Syndrome. Identifiers: Orphanet 29072, MedGen C3279992, MONDO:0013602, OMIM 614165.

Submissions (2):

Ambry Genetics
Classification: Uncertain significance for Hereditary cancer-predisposing syndrome. Last evaluated: 2026-05-06. Review status: criteria provided, single submitter. Criteria: Ambry Variant Classification Scheme 2023. Collection method: clinical testing. Allele origin: germline.
Comment: The p.A221G variant (also known as c.662C>G), located in coding exon 6 of the SDHA gene, results from a C to G substitution at nucleotide position 662. The alanine at codon 221 is replaced by glycine, an amino acid with similar properties. This amino acid position is highly conserved in available vertebrate species. In addition, the in silico prediction for this alteration is inconclusive. Based on the available evidence, the clinical significance of this variant remains unclear.

Labcorp Genetics (formerly Invitae), Labcorp
Classification: Uncertain significance for Pheochromocytoma/paraganglioma syndrome 5; Mitochondrial complex II deficiency, nuclear type 1. Last evaluated: 2020-03-04. Review status: criteria provided, single submitter. Criteria: Invitae Variant Classification Sherloc (09022015). Collection method: clinical testing. Allele origin: germline.
Comment: This sequence change replaces alanine with glycine at codon 221 of the SDHA protein (p.Ala221Gly). The alanine residue is highly conserved and there is a small physicochemical difference between alanine and glycine. This variant is not present in population databases (ExAC no frequency). This variant has not been reported in the literature in individuals with SDHA-related conditions. Algorithms developed to predict the effect of missense changes on protein structure and function are either unavailable or do not agree on the potential impact of this missense change (SIFT: "Deleterious"; PolyPhen-2: "Benign"; Align-GVGD: "Class C0"). In summary, the available evidence is currently insufficient to determine the role of this variant in disease. Therefore, it has been classified as a Variant of Uncertain Significance.